The following is an entry in ClinVar:

NM_004064.5(CDKN1B):c.60G>C (p.Gln20His)

Gene: CDKN1B (cyclin dependent kinase inhibitor 1B; plus strand). Cytogenetic location: 12p13.1.
Variant type: single nucleotide variant.
Coding change: c.60G>C on transcript NM_004064.5 (MANE Select); coding-DNA position 60, G replaced by C.
Protein change: p.Gln20His; replaces glutamine 20 with histidine.
Molecular consequence: missense variant.
Genome position (GRCh38, 1-based): chr12:12,717,899, G>C. VCF-style: chr12-12717899-G-C. GRCh37 (hg19) VCF-style: chr12-12870833-G-C.
Other names: c.60G>C (NM_004064.3); short protein forms Q20H.
Identifiers: ClinVar variation 1521389 (VCV001521389.9), dbSNP rs1369715485, ClinGen allele CA383968229.
Genomic context (GRCh38, chr12:12,717,899, plus strand): 5'-GATGTCAAACGTGCGAGTGTCTAACGGGAGCCCTAGCCTGGAGCGGATGGACGCCAGGCA[G>C]GCGGAGCACCCCAAGCCCTCGGCCTGCAGGAACCTCTTCGGCCCGGTGGACCACGAAGAG-3'
Protein context (NP_004055.1, residues 10-30): SPSLERMDAR[Gln20His]AEHPKPSACR

ClinVar aggregate classification (germline): Uncertain significance. Review status: criteria provided, multiple submitters, no conflicts (2 of 4 stars). 2 submissions from 2 submitters: Uncertain significance (2). Last evaluated 2025-09-20.

Conditions:
Multiple endocrine neoplasia type 4. Also called: MULTIPLE ENDOCRINE NEOPLASIA, TYPE IV. Identifiers: Orphanet 276152, MedGen C1970712, MONDO:0012552, OMIM 610755.
Hereditary cancer-predisposing syndrome. Also called: Tumor predisposition; Hereditary neoplastic syndrome; Neoplastic Syndromes, Hereditary; Hereditary Cancer Syndrome. Identifiers: Orphanet 140162, MedGen C0027672, MeSH D009386, MONDO:0015356.

Submissions (2):

Ambry Genetics
Classification: Uncertain significance for Hereditary cancer-predisposing syndrome. Last evaluated: 2025-09-20. Review status: criteria provided, single submitter. Criteria: Ambry Variant Classification Scheme 2023. Collection method: clinical testing. Allele origin: germline.
Comment: The p.Q20H variant (also known as c.60G>C), located in coding exon 1 of the CDKN1B gene, results from a G to C substitution at nucleotide position 60. The glutamine at codon 20 is replaced by histidine, an amino acid with highly similar properties. This amino acid position is conserved. In addition, this alteration is predicted to be tolerated by in silico analysis. Based on the available evidence, the clinical significance of this variant remains unclear.

Labcorp Genetics (formerly Invitae), Labcorp
Classification: Uncertain significance for Multiple endocrine neoplasia type 4. Last evaluated: 2025-05-05. Review status: criteria provided, single submitter. Criteria: Invitae Variant Classification Sherloc (09022015). Collection method: clinical testing. Allele origin: germline.
Comment: This sequence change replaces glutamine, which is neutral and polar, with histidine, which is basic and polar, at codon 20 of the CDKN1B protein (p.Gln20His). This variant is not present in population databases (gnomAD no frequency). This variant has not been reported in the literature in individuals affected with CDKN1B-related conditions. ClinVar contains an entry for this variant (Variation ID: 1521389). An algorithm developed to predict the effect of missense changes on protein structure and function (PolyPhen-2) suggests that this variant is likely to be tolerated. In summary, the available evidence is currently insufficient to determine the role of this variant in disease. Therefore, it has been classified as a Variant of Uncertain Significance.